The following is an entry in ClinVar:

ClinVar aggregate classification (germline): Uncertain significance (1 of 4 stars; one submission).

Allele frequency attached by ClinVar (database versions not stated): TOPMed below 0.00001.

Submission:

Labcorp Genetics (formerly Invitae), Labcorp
Classification: Uncertain significance. Last evaluated: 2022-06-08. Review status: criteria provided, single submitter. Criteria: Invitae Variant Classification Sherloc (09022015). Collection method: clinical testing. Allele origin: germline.
Comment: In summary, the available evidence is currently insufficient to determine the role of this variant in disease. Therefore, it has been classified as a Variant of Uncertain Significance. Advanced modeling of protein sequence and biophysical properties (such as structural, functional, and spatial information, amino acid conservation, physicochemical variation, residue mobility, and thermodynamic stability) performed at Invitae indicates that this missense variant is not expected to disrupt CACNA1E protein function. This variant has not been reported in the literature in individuals affected with CACNA1E-related conditions. This variant is not present in population databases (gnomAD no frequency). This sequence change replaces methionine, which is neutral and non-polar, with arginine, which is basic and polar, at codon 253 of the CACNA1E protein (p.Met253Arg).

NM_001205293.3(CACNA1E):c.758T>G (p.Met253Arg)

Gene: CACNA1E (calcium voltage-gated channel subunit alpha1 E; plus strand). Cytogenetic location: 1q25.3.
Variant type: single nucleotide variant.
Coding change: c.758T>G on transcript NM_001205293.3 (MANE Select); coding-DNA position 758, T replaced by G.
Protein change: p.Met253Arg; replaces methionine 253 with arginine.
Molecular consequence: missense variant.
Genome position (GRCh38, 1-based): chr1:181,579,213, T>G. VCF-style: chr1-181579213-T-G. GRCh37 (hg19) VCF-style: chr1-181548349-T-G.
Other names: c.758T>G, p.Met253Arg (NM_000721.4, NM_001205294.2); short protein forms M253R.
Identifiers: ClinVar variation 2109531 (VCV002109531.4), dbSNP rs1319979947, ClinGen allele CA343847235.